The following is an entry in ClinVar:

ClinVar aggregate classification (germline): Likely benign (1 of 4 stars; one submission).

Allele frequency attached by ClinVar (database versions not stated): gnomAD exomes below 0.00001.

Submission:

CeGaT Center for Human Genetics Tuebingen
Classification: Likely benign. Last evaluated: 2022-06-01. Review status: criteria provided, single submitter. Criteria: CeGaT Center For Human Genetics Tuebingen Variant Classification Criteria Version 2. Collection method: clinical testing. Allele origin: germline. Affected: yes. Observed: 1 variant allele.
Comment: SHANK3: PM2:Supporting, BP4, BP7

NM_001372044.2(SHANK3):c.813G>A (p.Ala271=)

Gene: SHANK3 (SH3 and multiple ankyrin repeat domains 3; plus strand). Cytogenetic location: 22q13.33.
Variant type: single nucleotide variant.
Coding change: c.813G>A on transcript NM_001372044.2 (MANE Select); coding-DNA position 813, G replaced by A.
Protein change: p.Ala271=; no amino-acid change (alanine 271 retained).
Molecular consequence: synonymous variant.
Genome position (GRCh38, 1-based): chr22:50,678,908, G>A. VCF-style: chr22-50678908-G-A. GRCh37 (hg19) VCF-style: chr22-51117336-G-A.
Other names: c.588G>A, p.Ala196= (NM_033517.1).
Identifiers: ClinVar variation 2653410 (VCV002653410.24), dbSNP rs2518374527, ClinGen allele CA515253674.